The following is an entry in ClinVar:

NM_152490.5(B3GALNT2):c.688C>T (p.Leu230Phe)

Gene: B3GALNT2 (beta-1,3-N-acetylgalactosaminyltransferase 2; minus strand). Cytogenetic location: 1q42.3.
Variant type: single nucleotide variant.
Coding change: c.688C>T on transcript NM_152490.5 (MANE Select); coding-DNA position 688, C replaced by T.
Protein change: p.Leu230Phe; replaces leucine 230 with phenylalanine.
Molecular consequence: missense variant.
Genome position (GRCh38, 1-based): chr1:235,470,924, G>A on the plus strand (C>T on the coding strand, the complement: B3GALNT2 is on the minus strand). VCF-style: chr1-235470924-G-A. GRCh37 (hg19) VCF-style: chr1-235634238-G-A.
Other names: c.811C>T, p.Leu271Phe (NM_001277155.3); short protein forms L271F, L230F.
Identifiers: ClinVar variation 1483372 (VCV001483372.8), dbSNP rs768629547, ClinGen allele CA1464827.

ClinVar aggregate classification (germline): Uncertain significance (1 of 4 stars; one submission).

Conditions:
Muscular dystrophy-dystroglycanopathy (congenital with brain and eye anomalies), type a, 11 (MDDGA11). Also called: Muscular dystrophy-dystroglycanopathy (congenital with brain and eye anomalies, type A, 11; WALKER-WARBURG SYNDROME OR MUSCLE-EYE-BRAIN DISEASE, B3GALNT2-RELATED; Congenital muscular dystrophy-dystroglycanopathy with brain and eye anomalies, type A11. Identifiers: Orphanet 588, Orphanet 899, MedGen C3554638, MONDO:0014071, OMIM 615181.

Allele frequency attached by ClinVar (database versions not stated): gnomAD 0.00001; TOPMed 0.00001; ExAC 0.00002; gnomAD exomes 0.00003 and 0.00004.

Submission:

Labcorp Genetics (formerly Invitae), Labcorp
Classification: Uncertain significance for Muscular dystrophy-dystroglycanopathy (congenital with brain and eye anomalies), type a, 11. Last evaluated: 2023-05-22. Review status: criteria provided, single submitter. Criteria: Invitae Variant Classification Sherloc (09022015). Collection method: clinical testing. Allele origin: germline.
Comment: This sequence change replaces leucine, which is neutral and non-polar, with phenylalanine, which is neutral and non-polar, at codon 230 of the B3GALNT2 protein (p.Leu230Phe). This variant is present in population databases (rs768629547, gnomAD 0.04%). This variant has not been reported in the literature in individuals affected with B3GALNT2-related conditions. ClinVar contains an entry for this variant (Variation ID: 1483372). Advanced modeling of protein sequence and biophysical properties (such as structural, functional, and spatial information, amino acid conservation, physicochemical variation, residue mobility, and thermodynamic stability) performed at Invitae indicates that this missense variant is not expected to disrupt B3GALNT2 protein function. In summary, the available evidence is currently insufficient to determine the role of this variant in disease. Therefore, it has been classified as a Variant of Uncertain Significance.